The following is an entry in ClinVar:

NM_000059.4(BRCA2):c.3541C>G (p.Gln1181Glu)

Gene: BRCA2 (BRCA2 DNA repair associated; plus strand). Cytogenetic location: 13q13.1.
Variant type: single nucleotide variant.
Coding change: c.3541C>G on transcript NM_000059.4 (MANE Select); coding-DNA position 3541, C replaced by G.
Protein change: p.Gln1181Glu; replaces glutamine 1181 with glutamic acid.
Molecular consequence: missense variant. On other transcripts: non-coding transcript variant (1), intron variant (2).
Genome position (GRCh38, 1-based): chr13:32,337,896, C>G. VCF-style: chr13-32337896-C-G. GRCh37 (hg19) VCF-style: chr13-32912033-C-G.
Other names: c.3541C>G, p.Gln1181Glu (NM_001406719.1, NM_001406720.1, NM_001432077.1); c.1909+4509C>G (NM_001406721.1); c.425-6662C>G (NM_001406722.1); short protein forms Q1181E.
Identifiers: ClinVar variation 3636461 (VCV003636461.2).

ClinVar aggregate classification (germline): Uncertain significance (1 of 4 stars; one submission).

Conditions:
Hereditary breast ovarian cancer syndrome. Also called: Hereditary breast and ovarian cancer syndrome; Hereditary breast and ovarian cancer syndrome (HBOC); BRCA1- and BRCA2-Associated Hereditary Breast and Ovarian Cancer; Hereditary breast and ovarian cancer; Breast and ovarian cancer; Hereditary breast and/or ovarian cancer syndrome. Identifiers: Orphanet 145, MedGen C0677776, MeSH D061325, MONDO:0003582. Disease mechanism: loss of function.

Submission:

Labcorp Genetics (formerly Invitae), Labcorp
Classification: Uncertain significance for Hereditary breast ovarian cancer syndrome. Last evaluated: 2024-03-24. Review status: criteria provided, single submitter. Criteria: Invitae Variant Classification Sherloc (09022015). Collection method: clinical testing. Allele origin: germline.
Comment: This sequence change replaces glutamine, which is neutral and polar, with glutamic acid, which is acidic and polar, at codon 1181 of the BRCA2 protein (p.Gln1181Glu). This variant is not present in population databases (gnomAD no frequency). This variant has not been reported in the literature in individuals affected with BRCA2-related conditions. Advanced modeling of protein sequence and biophysical properties (such as structural, functional, and spatial information, amino acid conservation, physicochemical variation, residue mobility, and thermodynamic stability) performed at Invitae indicates that this missense variant is not expected to disrupt BRCA2 protein function with a negative predictive value of 95%. In summary, the available evidence is currently insufficient to determine the role of this variant in disease. Therefore, it has been classified as a Variant of Uncertain Significance.